The following is an entry in ClinVar:

ClinVar aggregate classification (germline): Uncertain significance. Review status: criteria provided, multiple submitters, no conflicts (2 of 4 stars). 2 submissions from 2 submitters: Uncertain significance (2). Last evaluated 2024-11-27.

Allele frequency attached by ClinVar (database versions not stated): TOPMed below 0.00001; ExAC 0.00001.

Submissions (2):

Labcorp Genetics (formerly Invitae), Labcorp
Classification: Uncertain significance. Last evaluated: 2024-11-27. Review status: criteria provided, single submitter. Criteria: Invitae Variant Classification Sherloc (09022015). Collection method: clinical testing. Allele origin: germline.
Comment: This sequence change replaces alanine, which is neutral and non-polar, with proline, which is neutral and non-polar, at codon 57 of the RECQL protein (p.Ala57Pro). This variant is present in population databases (rs778153893, gnomAD 0.003%). This variant has not been reported in the literature in individuals affected with RECQL-related conditions. ClinVar contains an entry for this variant (Variation ID: 2188372). An algorithm developed to predict the effect of missense changes on protein structure and function outputs the following: PolyPhen-2: "Benign". The proline amino acid residue is found in multiple mammalian species, which suggests that this missense change does not adversely affect protein function. In summary, the available evidence is currently insufficient to determine the role of this variant in disease. Therefore, it has been classified as a Variant of Uncertain Significance.

Ambry Genetics
Classification: Uncertain significance. Last evaluated: 2023-02-28. Review status: criteria provided, single submitter. Criteria: Ambry Variant Classification Scheme 2023. Collection method: clinical testing. Allele origin: germline.

NM_002907.4(RECQL):c.169G>C (p.Ala57Pro)

Gene: RECQL (RecQ like helicase; minus strand). Cytogenetic location: 12p12.1.
Variant type: single nucleotide variant.
Coding change: c.169G>C on transcript NM_002907.4 (MANE Select); coding-DNA position 169, G replaced by C.
Protein change: p.Ala57Pro; replaces alanine 57 with proline.
Molecular consequence: missense variant.
Genome position (GRCh38, 1-based): chr12:21,491,564, C>G on the plus strand (G>C on the coding strand, the complement: RECQL is on the minus strand). VCF-style: chr12-21491564-C-G. GRCh37 (hg19) VCF-style: chr12-21644498-C-G.
Other names: c.169G>C, p.Ala57Pro (NM_032941.3); c.169G>C (NM_002907.3); short protein forms A57P.
Identifiers: ClinVar variation 2188372 (VCV002188372.5), dbSNP rs778153893, ClinGen allele CA6479186.